The following is an entry in ClinVar:

ClinVar aggregate classification (germline): Uncertain significance (0 of 4 stars; one submission).

Conditions:
CSMD1-related disorder. Also called: CSMD1-related condition.

gnomAD v4.1: 1 of 1,605,012 alleles (0.000062%); highest among the groups gnomAD compares: South Asian, 0.0011%; no homozygotes.

Submission:

PreventionGenetics, part of Exact Sciences
Classification: Uncertain significance for CSMD1-related condition. Last evaluated: 2024-06-08. Review status: no assertion criteria provided. Collection method: clinical testing. Allele origin: germline.
Comment: The CSMD1 c.694G>A variant is predicted to result in the amino acid substitution p.Ala232Thr. To our knowledge, this variant has not been reported in the literature or in a large population database, indicating this variant is rare. At this time, the clinical significance of this variant is uncertain due to the absence of conclusive functional and genetic evidence.

NM_033225.6(CSMD1):c.694G>A (p.Ala232Thr)

Gene: CSMD1 (CUB and Sushi multiple domains 1; minus strand). Cytogenetic location: 8p23.2.
Variant type: single nucleotide variant.
Coding change: c.694G>A on transcript NM_033225.6 (MANE Select); coding-DNA position 694, G replaced by A.
Protein change: p.Ala232Thr; replaces alanine 232 with threonine.
Molecular consequence: missense variant.
Genome position (GRCh38, 1-based): chr8:3,998,027, C>T on the plus strand (G>A on the coding strand, the complement: CSMD1 is on the minus strand). VCF-style: chr8-3998027-C-T. GRCh37 (hg19) VCF-style: chr8-3855549-C-T.
Other names: short protein forms A232T.
Identifiers: ClinVar variation 3349889 (VCV003349889.1).
Genomic context (GRCh38, chr8:3,998,027, plus strand): 5'-CAGTGAAGACCAGCGCAATGGTGTCCCCGGGCTCAGCCAGAATGGTCCAGGTGCAGTCCG[C>T]GTTGTTCTCGTACTCTGAAGGGAAGTGCGGGCTGGAGATGGAGCTGCTGGTCCCGCGTAA-3'
Protein context (NP_150094.5, residues 222-242): PHFPSEYENN[Ala232Thr]DCTWTILAEP